The following is an entry in ClinVar:

ClinVar aggregate classification (germline): Pathogenic/Likely pathogenic. Review status: criteria provided, multiple submitters, no conflicts (2 of 4 stars). 2 submissions from 2 submitters: Pathogenic (1); Likely pathogenic (1). Last evaluated 2023-01-16.

Conditions:
Junctional epidermolysis bullosa, non-Herlitz type. Also called: Epidermolysis bullosa, junctional, non-herlitz type, somatic mosaic revertant; EPIDERMOLYSIS BULLOSA JUNCTIONALIS, DISENTIS TYPE; EPIDERMOLYSIS BULLOSA JUNCTIONALIS, NON-HERLITZ TYPE; EPIDERMOLYSIS BULLOSA JUNCTIONALIS, PROGRESSIVE; EPIDERMOLYSIS BULLOSA JUNCTIONALIS, SEVERE NONLETHAL; EPIDERMOLYSIS BULLOSA, JUNCTIONAL 1A, INTERMEDIATE. Identifiers: Orphanet 251393, Orphanet 79402, Orphanet 79405, Orphanet 89840, MedGen C0268374, MONDO:0009180, OMIM 226650.

Submissions (2):

Labcorp Genetics (formerly Invitae), Labcorp
Classification: Pathogenic. Last evaluated: 2023-01-16. Review status: criteria provided, single submitter. Criteria: Invitae Variant Classification Sherloc (09022015). Collection method: clinical testing. Allele origin: germline.
Comment: This variant has not been reported in the literature in individuals affected with COL17A1-related conditions. For these reasons, this variant has been classified as Pathogenic. ClinVar contains an entry for this variant (Variation ID: 1683482). This variant is not present in population databases (gnomAD no frequency). This sequence change creates a premature translational stop signal (p.Gly627Alafs*56) in the COL17A1 gene. It is expected to result in an absent or disrupted protein product. Loss-of-function variants in COL17A1 are known to be pathogenic (PMID: 16473856, 17344927, 20301304, 21357940, 24319098).

Center for Reproductive Medicine, Changhai Hospital, Naval Medical University
Classification: Likely pathogenic for Junctional epidermolysis bullosa, non-Herlitz type. Review status: criteria provided, single submitter. Criteria: ACMG Guidelines, 2015. Collection method: clinical testing. Allele origin: paternal. Inheritance: Autosomal dominant inheritance with paternal imprinting. Affected: yes. Observed: 2 variant alleles, 1 heterozygote, 2 homozygotes. Clinical features observed: Growth delay (HP:0001510), Enamel hypoplasia (HP:0006297), Atrophic scars (HP:0001075), Scarring alopecia of scalp (HP:0004552), Sparse body hair (HP:0002231), Nail dystrophy (HP:0008404), Oral mucosal blisters (HP:0200097), Aplasia cutis congenita (HP:0001057), Abnormal blistering of the skin (HP:0008066).
Comment: The variant NM_000494.4:c.1880(exon23)delG (p.G627Afs*56) result in the COL17A1 protein deficiency is the causative factor for JEB intermediate with autosomal recessive inheritance mode, and can be classified as pathogenic based upon the clinical features and the experiment results of histopathology and ultrastructure results of the punch biopsy.

Literature cited by the submitters: PubMed 16473856 (cited by Labcorp Genetics (formerly Invitae), Labcorp); PubMed 17344927 (cited by Labcorp Genetics (formerly Invitae), Labcorp); PubMed 20301304 (cited by Labcorp Genetics (formerly Invitae), Labcorp); PubMed 21357940 (cited by Labcorp Genetics (formerly Invitae), Labcorp); PubMed 24319098 (cited by Labcorp Genetics (formerly Invitae), Labcorp).

NM_000494.4(COL17A1):c.1880del (p.Gly627fs)

Gene: COL17A1 (collagen type XVII alpha 1 chain; minus strand). Cytogenetic location: 10q25.1.
Variant type: Deletion.
Coding change: c.1880del on transcript NM_000494.4 (MANE Select); coding-DNA position 1880, one base deleted (G; older notation c.1880delG).
Protein change: p.Gly627fs; shifts the reading frame from glycine 627.
Molecular consequence: frameshift variant.
Genome position (GRCh38, 1-based): chr10:104,053,090, C deleted on the plus strand (G on the coding strand, the reverse complement: COL17A1 is on the minus strand); the first of 2 consecutive C bases (chr10:104,053,090-104,053,091); deleting either gives the same sequence. VCF-style (leftmost placement, unchanged base first): chr10-104053089-GC-G. GRCh37 (hg19) VCF-style: chr10-105812847-GC-G.
Other names: c.1880delG (NM_000494.4); short protein forms G627fs.
Identifiers: ClinVar variation 1683482 (VCV001683482.5), dbSNP rs2134611028, ClinGen allele CA2573145529.